The following is an entry in ClinVar:

NM_000182.5(HADHA):c.180_180+5delinsAT

Gene: HADHA (hydroxyacyl-CoA dehydrogenase trifunctional multienzyme complex subunit alpha; minus strand). Cytogenetic location: 2p23.3.
Variant type: Indel.
Coding change: c.180_180+5delinsAT on transcript NM_000182.5 (MANE Select); coding-DNA position 180 through 5 bases into the intron after coding-DNA position 180, GGTATC replaced by AT.
Molecular consequence: splice donor variant.
Genome position (GRCh38, 1-based): chr2:26,238,929-26,238,934, GATACC replaced by AT on the plus strand (GGTATC replaced by AT on the coding strand, the reverse complement: HADHA is on the minus strand). VCF-style: chr2-26238929-GATACC-AT. GRCh37 (hg19) VCF-style: chr2-26461797-GATACC-AT.
Identifiers: ClinVar variation 503510 (VCV000503510.5), dbSNP rs1553316142, ClinGen allele CA658795687.

ClinVar aggregate classification (germline): Pathogenic/Likely pathogenic. Review status: criteria provided, multiple submitters, no conflicts (2 of 4 stars). 5 submissions from 5 submitters: Pathogenic (4); Likely pathogenic (1). Last evaluated 2025-12-09.

Conditions:
Long chain 3-hydroxyacyl-CoA dehydrogenase deficiency. Also called: Deficiency of long-chain 3-hydroxyacyl-coenzyme A dehydrogenase; LCHAD Deficiency. Identifiers: Orphanet 5, MedGen C3711645, MONDO:0012173, OMIM 609016.
Mitochondrial trifunctional protein deficiency 1 (MTPD1). Identifiers: MedGen CN376812, MONDO:0958181, OMIM 609015.

Submissions (5):

Myriad Genetics, Inc.
Classification: Pathogenic for Long chain 3-hydroxyacyl-CoA dehydrogenase deficiency. Last evaluated: 2025-12-09. Review status: criteria provided, single submitter. Criteria: Myriad Autosomal Dominant, Autosomal Recessive and X-Linked Classification Criteria (2023). Collection method: clinical testing. Allele origin: unknown.
Comment: NM_000182.4(HADHA):c.180_180+5del6ins2 is a variant in a canonical splice site classified as pathogenic in the context of HADHA-related disorders. c.180_180+5del6ins2 has been observed in cases with relevant disease (PMID: 10400133, 33638202, 30682426). Relevant functional assessments of this variant are not available in the literature. c.180_180+5del6ins2 has not been observed in referenced population frequency databases. In summary, NM_000182.4(HADHA):c.180_180+5del6ins2 is a variant in a canonical splice site in a gene where loss of function is a known mechanism of disease, is predicted to disrupt protein function, and has been observed more frequently in cases with the relevant disease than in healthy populations. Please note: this variant was assessed in the context of healthy population screening.

Natera, Inc.
Classification: Pathogenic for Deficiency of long-chain 3-hydroxyacyl-coenzyme A dehydrogenase. Last evaluated: 2024-02-21. Review status: criteria provided, single submitter. Criteria: Natera Variant Classification Schema (03/2026). Collection method: clinical testing. Allele origin: germline.
Comment: The c.180_180+5delGGTATCinsAT variant in HADHA is a deletion-insertion (delins) variant predicted to replace one or more nucleotides with a different sequence. This variant is expected to result in nonsense mediated decay, truncation, or a dysfunctional protein product. This variant is rare in the general population with a frequency below the threshold expected for the associated phenotype(s). This variant has been observed in one or more individuals affected with the associated recessive disease, as either homozygous or compound heterozygous with a second variant (PMID: 10400133). Additionally, this variant has been observed to segregate in affected family members (PMID: 10400133). Given the available evidence, this variant is classified as Pathogenic.

Fulgent Genetics
Classification: Likely pathogenic for Mitochondrial trifunctional protein deficiency 1; Long chain 3-hydroxyacyl-CoA dehydrogenase deficiency. Last evaluated: 2024-01-09. Review status: criteria provided, single submitter. Criteria: ACMG Guidelines, 2015. Collection method: clinical testing. Allele origin: germline.

Baylor Genetics
Classification: Pathogenic for Long chain 3-hydroxyacyl-CoA dehydrogenase deficiency. Last evaluated: 2023-04-08. Review status: criteria provided, single submitter. Criteria: ACMG Guidelines, 2015. Collection method: clinical testing. Allele origin: unknown.

GeneDx
Classification: Pathogenic. Last evaluated: 2015-09-10. Review status: criteria provided, single submitter. Criteria: GeneDx Variant Classification (06012015). Collection method: clinical testing. Allele origin: germline. Affected: yes.
Comment: The c.180_180+5delGGTATCinsAT variant has been reported in siblings with biochemically confirmed trifunctional protein deficiency (Matern et al., 1999). This variant reduces the quality of the splice donor site in intron 3, and is expected to cause abnormal gene splicing. Given the available evidence, we interpret this variant as pathogenic.

Literature cited by the submitters: PubMed 10400133 (cited by Myriad Genetics, Inc. and Natera, Inc.); PubMed 30682426 (cited by Myriad Genetics, Inc.); PubMed 33638202 (cited by Myriad Genetics, Inc.).